The following is an entry in ClinVar:

NM_014845.6(FIG4):c.2469G>T (p.Gln823His)

Gene: FIG4 (FIG4 phosphoinositide 5-phosphatase; plus strand). Cytogenetic location: 6q21.
Variant type: single nucleotide variant.
Coding change: c.2469G>T on transcript NM_014845.6 (MANE Select); coding-DNA position 2469, G replaced by T.
Protein change: p.Gln823His; replaces glutamine 823 with histidine.
Molecular consequence: missense variant.
Genome position (GRCh38, 1-based): chr6:109,796,774, G>T. VCF-style: chr6-109796774-G-T. GRCh37 (hg19) VCF-style: chr6-110117977-G-T.
Other names: c.2469G>T (NM_014845.5); short protein forms Q823H.
Identifiers: ClinVar variation 1046428 (VCV001046428.4), dbSNP rs768773104, ClinGen allele CA365219833.
Genomic context (GRCh38, chr6:109,796,774, plus strand): 5'-AATTGCAAGTACTCCCTTCTTTAGCTGACTCTTATCCATTGTAATTTGTAGATTTGTTCA[G>T]CTGGGGCAGAGTCAACATAAACAAGACAAGAATAGCCAGCAGCCCTGTTCTAGGTGCTCA-3'
Protein context (NP_055660.1, residues 813-833): EDFSIYSRFV[Gln823His]LGQSQHKQDK

ClinVar aggregate classification (germline): Uncertain significance. Review status: criteria provided, multiple submitters, no conflicts (2 of 4 stars). 2 submissions from 2 submitters: Uncertain significance (2). Last evaluated 2022-07-25.

Conditions:
Charcot-Marie-Tooth disease type 4. Also called: Charcot-Marie-Tooth, Type 4; Charcot-Marie-Tooth disease, type IV. Identifiers: Orphanet 64749, MedGen C4082197, MONDO:0018995.
Inborn genetic diseases. Identifiers: MedGen C0950123, MeSH D030342.

Allele frequency attached by ClinVar (database versions not stated): gnomAD 0.00001.
gnomAD v4.1: 5 of 1,605,814 alleles (0.00031%); highest among the groups gnomAD compares: Admixed American, 0.0083%; no homozygotes.

Submissions (2):

Labcorp Genetics (formerly Invitae), Labcorp
Classification: Uncertain significance for Charcot-Marie-Tooth disease type 4. Last evaluated: 2022-07-25. Review status: criteria provided, single submitter. Criteria: Invitae Variant Classification Sherloc (09022015). Collection method: clinical testing. Allele origin: germline.
Comment: This sequence change replaces glutamine, which is neutral and polar, with histidine, which is basic and polar, at codon 823 of the FIG4 protein (p.Gln823His). This variant is present in population databases (no rsID available, gnomAD 0.006%). This variant has not been reported in the literature in individuals affected with FIG4-related conditions. ClinVar contains an entry for this variant (Variation ID: 1046428). Algorithms developed to predict the effect of missense changes on protein structure and function (SIFT, PolyPhen-2, Align-GVGD) all suggest that this variant is likely to be tolerated. In summary, the available evidence is currently insufficient to determine the role of this variant in disease. Therefore, it has been classified as a Variant of Uncertain Significance.

Ambry Genetics
Classification: Uncertain significance for Inborn genetic diseases. Last evaluated: 2021-01-12. Review status: criteria provided, single submitter. Criteria: Ambry Variant Classification Scheme 2023. Collection method: clinical testing. Allele origin: germline.
Comment: The c.2469G>T (p.Q823H) alteration is located in exon 22 (coding exon 22) of the FIG4 gene. This alteration results from a G to T substitution at nucleotide position 2469, causing the glutamine (Q) at amino acid position 823 to be replaced by a histidine (H). The p.Q823H alteration is predicted to be tolerated by in silico analysis. Based on insufficient or conflicting evidence, the clinical significance of this alteration remains unclear.